The following is an entry in ClinVar:

ClinVar aggregate classification (germline): Pathogenic (1 of 4 stars; one submission).

Conditions:
Inborn genetic diseases. Identifiers: MedGen C0950123, MeSH D030342.

Submission:

Ambry Genetics
Classification: Pathogenic for Inborn genetic diseases. Last evaluated: 2025-11-10. Review status: criteria provided, single submitter. Criteria: Ambry Variant Classification Scheme 2023. Collection method: clinical testing. Allele origin: germline.
Comment: The c.583delA pathogenic mutation, located in coding exon 5 of the RUNX1 gene, results from a deletion of one nucleotide at nucleotide position 583, causing a translational frameshift with a predicted alternate stop codon (p.I195Sfs*16). This variant is considered to be rare based on population cohorts in the Genome Aggregation Database (gnomAD). This alteration is expected to result in loss of function by premature protein truncation or nonsense-mediated mRNA decay. As such, this alteration is interpreted as a disease-causing mutation.

NM_001754.5(RUNX1):c.583del (p.Ile195fs)

Genes: RUNX1 (RUNX family transcription factor 1; minus strand), RUNX1-AS1 (RUNX1 antisense RNA 1; plus strand). Cytogenetic location: 21q22.12.
Variant type: Deletion.
Coding change: c.583del on transcript NM_001754.5 (MANE Select); coding-DNA position 583, one base deleted (A; older notation c.583delA).
Protein change: p.Ile195fs; shifts the reading frame from isoleucine 195.
Molecular consequence: frameshift variant.
Genome position (GRCh38, 1-based): chr21:34,859,504, T deleted on the plus strand (A on the coding strand, the reverse complement: RUNX1 is on the minus strand); the first of 4 consecutive T bases (chr21:34,859,504-34,859,507); deleting any one gives the same sequence. VCF-style (leftmost placement, unchanged base first): chr21-34859503-AT-A. GRCh37 (hg19) VCF-style: chr21-36231800-AT-A.
Other names: c.502del, p.Ile168fs (NM_001001890.3, NM_001122607.2); c.583delA (NM_001754.4); short protein forms I195fs, I168fs.
Identifiers: ClinVar variation 4629706 (VCV004629706.1).